The following is an entry in ClinVar:

NM_054027.6(ANKH):c.369G>A (p.Ser123=)

Gene: ANKH (ANKH inorganic pyrophosphate transport regulator; minus strand). Cytogenetic location: 5p15.2.
Variant type: single nucleotide variant.
Coding change: c.369G>A on transcript NM_054027.6 (MANE Select); coding-DNA position 369, G replaced by A.
Protein change: p.Ser123=; no amino-acid change (serine 123 retained).
Molecular consequence: synonymous variant.
Genome position (GRCh38, 1-based): chr5:14,758,543, C>T on the plus strand (G>A on the coding strand, the complement: ANKH is on the minus strand). VCF-style: chr5-14758543-C-T. GRCh37 (hg19) VCF-style: chr5-14758652-C-T.
Identifiers: ClinVar variation 769645 (VCV000769645.17), dbSNP rs145463643, ClinGen allele CA3209144.

ClinVar aggregate classification (germline): Benign/Likely benign. Review status: criteria provided, multiple submitters, no conflicts (2 of 4 stars). 6 submissions from 5 submitters: Benign (4); Likely benign (1). 1 of the submissions does not count toward it. Last evaluated 2026-01-18.

Conditions:
ANKH-related disorder. Also called: ANKH-Related Disorders; ANKH-related condition.
Craniometaphyseal dysplasia, autosomal dominant (CMDD). Identifiers: Orphanet 1522, MedGen C1852502, MONDO:0007397, OMIM 123000.
Chondrocalcinosis 2. Also called: Familial calcium pyrophosphate deposition; CALCIUM GOUT; CALCIUM PYROPHOSPHATE ARTHROPATHY. Identifiers: Orphanet 1416, MedGen C0856830, MONDO:0007319, OMIM 118600.

Allele frequency attached by ClinVar (database versions not stated): gnomAD exomes 0.00010 and 0.00023; ExAC 0.00019; ESP Exome Variant Server 0.00023; 1000 Genomes Project 30x 0.00031; 1000 Genomes Project 0.00040; gnomAD 0.00072 and 0.00078; TOPMed 0.00074.
gnomAD v4.1: 261 of 1,614,118 alleles (0.016%); highest among the groups gnomAD compares: African/African-American, 0.25%; 1 homozygote.

Submissions (6):

Labcorp Genetics (formerly Invitae), Labcorp
Classification: Benign. Last evaluated: 2026-01-18. Review status: criteria provided, single submitter. Criteria: Invitae Variant Classification Sherloc (09022015). Collection method: clinical testing. Allele origin: germline.

Genome-Nilou Lab
Classification: Benign for Craniometaphyseal dysplasia, autosomal dominant. Last evaluated: 2021-12-05. Review status: criteria provided, single submitter. Criteria: ACMG Guidelines, 2015. Collection method: clinical testing. Allele origin: germline. Affected: no.

GeneDx
Classification: Likely benign. Last evaluated: 2019-10-17. Review status: criteria provided, single submitter. Criteria: GeneDx Variant Classification Process June 2021. Collection method: clinical testing. Allele origin: germline. Affected: yes.

Illumina Laboratory Services, Illumina
Classification: Benign for Chondrocalcinosis 2. Last evaluated: 2018-01-13. Review status: criteria provided, single submitter. Criteria: ICSL Variant Classification Criteria 13 December 2019. Collection method: clinical testing. Allele origin: germline.
Comment: This variant was observed in the ICSL laboratory as part of a predisposition screen in an ostensibly healthy population. It had not been previously curated by ICSL or reported in the Human Gene Mutation Database (HGMD: prior to June 1st, 2018), and was therefore a candidate for classification through an automated scoring system. Utilizing variant allele frequency, disease prevalence and penetrance estimates, and inheritance mode, an automated score was calculated to assess if this variant is too frequent to cause the disease. Based on the score and internal cut-off values, a variant classified as benign is not then subjected to further curation. The score for this variant resulted in a classification of benign for this disease.

Illumina Laboratory Services, Illumina
Classification: Benign for Craniometaphyseal dysplasia, autosomal dominant. Last evaluated: 2018-01-13. Review status: criteria provided, single submitter. Criteria: ICSL Variant Classification Criteria 13 December 2019. Collection method: clinical testing. Allele origin: germline.
Comment: the same text as in the submission from Illumina Laboratory Services, Illumina above.

PreventionGenetics, part of Exact Sciences
Classification: Likely benign for ANKH-related condition. Last evaluated: 2019-09-17. Review status: no assertion criteria provided. Collection method: clinical testing. Allele origin: germline. Not counted in ClinVar's aggregate classification.
Comment: This variant is classified as likely benign based on ACMG/AMP sequence variant interpretation guidelines (Richards et al. 2015 PMID: 25741868, with internal and published modifications).